The following is an entry in ClinVar:

ClinVar aggregate classification (germline): Uncertain significance (1 of 4 stars; one submission).

gnomAD v4.1: 1 of 1,614,182 alleles (0.000062%); highest among the groups gnomAD compares: South Asian, 0.0011%; no homozygotes.

Submission:

Labcorp Genetics (formerly Invitae), Labcorp
Classification: Uncertain significance. Last evaluated: 2025-10-18. Review status: criteria provided, single submitter. Criteria: Invitae Variant Classification Sherloc (09022015). Collection method: clinical testing. Allele origin: germline.
Comment: This sequence change replaces alanine, which is neutral and non-polar, with threonine, which is neutral and polar, at codon 770 of the ARID1A protein (p.Ala770Thr). This variant is not present in population databases (gnomAD no frequency). This variant has not been reported in the literature in individuals affected with ARID1A-related conditions. Invitae Evidence Modeling of protein sequence and biophysical properties (such as structural, functional, and spatial information, amino acid conservation, physicochemical variation, residue mobility, and thermodynamic stability) has been performed for this missense variant. However, the output from this modeling did not meet the statistical confidence thresholds required to predict the impact of this variant on ARID1A protein function. In summary, the available evidence is currently insufficient to determine the role of this variant in disease. Therefore, it has been classified as a Variant of Uncertain Significance.

NM_006015.6(ARID1A):c.2308G>A (p.Ala770Thr)

Gene: ARID1A (AT-rich interaction domain 1A; plus strand). Cytogenetic location: 1p36.11.
Variant type: single nucleotide variant.
Coding change: c.2308G>A on transcript NM_006015.6 (MANE Select); coding-DNA position 2308, G replaced by A.
Protein change: p.Ala770Thr; replaces alanine 770 with threonine.
Molecular consequence: missense variant.
Genome position (GRCh38, 1-based): chr1:26,762,208, G>A. VCF-style: chr1-26762208-G-A. GRCh37 (hg19) VCF-style: chr1-27088699-G-A.
Other names: c.2308G>A, p.Ala770Thr (NM_139135.4); short protein forms A770T.
Identifiers: ClinVar variation 4711436 (VCV004711436.1).